The following is an entry in ClinVar:

ClinVar aggregate classification (germline): Conflicting classifications of pathogenicity. Review status: criteria provided, conflicting classifications (1 of 4 stars). 2 submissions from 2 submitters: Likely pathogenic (1); Uncertain significance (1). Last evaluated 2024-09-02.

Conditions:
Hereditary diffuse gastric adenocarcinoma (HDGC). Also called: DIFFUSE GASTRIC AND LOBULAR BREAST CANCER SYNDROME. Identifiers: Orphanet 26106, MedGen C1708349, MONDO:0007648, OMIM 137215.

Submissions (2):

Labcorp Genetics (formerly Invitae), Labcorp
Classification: Uncertain significance for Hereditary diffuse gastric adenocarcinoma. Last evaluated: 2024-09-02. Review status: criteria provided, single submitter. Criteria: Invitae Variant Classification Sherloc (09022015). Collection method: clinical testing. Allele origin: germline.
Comment: This sequence change falls in intron 13 of the CDH1 gene. It does not directly change the encoded amino acid sequence of the CDH1 protein. It affects a nucleotide within the consensus splice site. This variant is not present in population databases (gnomAD no frequency). This variant has been observed in individual(s) with diffuse gastric cancer (PMID: 17545690). ClinVar contains an entry for this variant (Variation ID: 2583751). Variants that disrupt the consensus splice site are a relatively common cause of aberrant splicing (PMID: 17576681, 9536098). Studies have shown that this variant is associated with inconclusive levels of altered splicing (PMID: 17545690). In summary, the available evidence is currently insufficient to determine the role of this variant in disease. Therefore, it has been classified as a Variant of Uncertain Significance.

Myriad Genetics, Inc.
Classification: Likely pathogenic for Hereditary diffuse gastric adenocarcinoma. Last evaluated: 2023-06-15. Review status: criteria provided, single submitter. Criteria: Myriad Autosomal Dominant, Autosomal Recessive and X-Linked Classification Criteria (2023). Collection method: clinical testing. Allele origin: unknown.
Comment: This variant is considered likely pathogenic. This variant has been reported in multiple individuals with clinical features of gene-specific disease [PMID: 17545690, 34201547]. mRNA analysis has demonstrated abnormal mRNA splicing occurs [PMID: 17545690].

Literature cited by the submitters: PubMed 17545690 (cited by Labcorp Genetics (formerly Invitae), Labcorp and Myriad Genetics, Inc.); PubMed 17576681 (cited by Labcorp Genetics (formerly Invitae), Labcorp); PubMed 9536098 (cited by Labcorp Genetics (formerly Invitae), Labcorp); PubMed 34201547 (cited by Myriad Genetics, Inc.).

NM_004360.5(CDH1):c.2164+5G>A

Gene: CDH1 (cadherin 1; plus strand). Cytogenetic location: 16q22.1.
Variant type: single nucleotide variant.
Coding change: c.2164+5G>A on transcript NM_004360.5 (MANE Select); 5 bases into the intron after coding-DNA position 2164, G replaced by A.
Molecular consequence: intron variant.
Genome position (GRCh38, 1-based): chr16:68,823,631, G>A. VCF-style: chr16-68823631-G-A. GRCh37 (hg19) VCF-style: chr16-68857534-G-A.
Other names: c.616+5G>A (NM_001317185.2); c.199+5G>A (NM_001317186.2); c.1981+5G>A (NM_001317184.2).
Identifiers: ClinVar variation 2583751 (VCV002583751.4), dbSNP rs2152139704, ClinGen allele CA2582342539.
Genomic context (GRCh38, chr16:68,823,631, plus strand): 5'-AGGATTGCAAATTCCTGCCATTCTGGGGATTCTTGGAGGAATTCTTGCTTTGCTAAGTAA[G>A]TCCAGCTGGCAAGTGACTCAGCCTTTGACTTAAAAAAATGGAGGAGGTTTATTTCCTGGA-3'